The following is an entry in ClinVar:

ClinVar aggregate classification (germline): Uncertain significance (1 of 4 stars; one submission).

Conditions:
Granulomatous disease, chronic, autosomal recessive, cytochrome b-negative. Also called: CYBA DEFICIENCY; CGD DUE TO DEFICIENCY OF THE ALPHA SUBUNIT OF CYTOCHROME b; CGD, AUTOSOMAL RECESSIVE CYTOCHROME b-NEGATIVE; GRANULOMATOUS DISEASE, CHRONIC, AUTOSOMAL RECESSIVE, 4; Chronic granulomatous disease, autosomal, due to deficiency of CYBA. Identifiers: Orphanet 379, MedGen C1856255, MONDO:0009308, OMIM 233690.

Allele frequency attached by ClinVar (database versions not stated): gnomAD exomes below 0.00001 and 0.00001; TOPMed below 0.00001; gnomAD 0.00001.
gnomAD v4.1: 7 of 1,532,214 alleles (0.00046%); highest among the groups gnomAD compares: African/African-American, 0.0014%; no homozygotes.

Submission:

Labcorp Genetics (formerly Invitae), Labcorp
Classification: Uncertain significance for Granulomatous disease, chronic, autosomal recessive, cytochrome b-negative. Last evaluated: 2021-09-24. Review status: criteria provided, single submitter. Criteria: Invitae Variant Classification Sherloc (09022015). Collection method: clinical testing. Allele origin: germline.
Comment: This sequence change replaces arginine with tryptophan at codon 158 of the CYBA protein (p.Arg158Trp). The arginine residue is highly conserved and there is a moderate physicochemical difference between arginine and tryptophan. The frequency data for this variant in the population databases is considered unreliable, as metrics indicate insufficient coverage at this position in the ExAC database. This variant has not been reported in the literature in individuals with CYBA-related conditions. Algorithms developed to predict the effect of missense changes on protein structure and function are either unavailable or do not agree on the potential impact of this missense change (SIFT: "Deleterious"; PolyPhen-2: "Probably Damaging"; Align-GVGD: "Class C0"). In summary, the available evidence is currently insufficient to determine the role of this variant in disease. Therefore, it has been classified as a Variant of Uncertain Significance.

NM_000101.4(CYBA):c.472C>T (p.Arg158Trp)

Gene: CYBA (cytochrome b-245 alpha chain; minus strand). Cytogenetic location: 16q24.2.
Variant type: single nucleotide variant.
Coding change: c.472C>T on transcript NM_000101.4 (MANE Select); coding-DNA position 472, C replaced by T.
Protein change: p.Arg158Trp; replaces arginine 158 with tryptophan.
Molecular consequence: missense variant.
Genome position (GRCh38, 1-based): chr16:88,643,469, G>A on the plus strand (C>T on the coding strand, the complement: CYBA is on the minus strand). VCF-style: chr16-88643469-G-A. GRCh37 (hg19) VCF-style: chr16-88709877-G-A.
Other names: short protein forms R158W.
Identifiers: ClinVar variation 1466671 (VCV001466671.5), dbSNP rs1008699438, ClinGen allele CA286348298.